The following is an entry in ClinVar:

NM_012123.4(MTO1):c.1301G>A (p.Arg434His)

Gene: MTO1 (mitochondrial tRNA translation optimization 1; plus strand). Cytogenetic location: 6q13.
Variant type: single nucleotide variant.
Coding change: c.1301G>A on transcript NM_012123.4 (MANE Select); coding-DNA position 1301, G replaced by A.
Protein change: p.Arg434His; replaces arginine 434 with histidine.
Molecular consequence: missense variant.
Genome position (GRCh38, 1-based): chr6:73,482,080, G>A. VCF-style: chr6-73482080-G-A. GRCh37 (hg19) VCF-style: chr6-74191803-G-A.
Other names: c.1421G>A, p.Arg474His (NM_001123226.2); c.1376G>A, p.Arg459His (NM_133645.3); short protein forms R434H, R474H, R459H.
Identifiers: ClinVar variation 1486879 (VCV001486879.7), dbSNP rs775350046, ClinGen allele CA3889614.

ClinVar aggregate classification (germline): Uncertain significance. Review status: criteria provided, multiple submitters, no conflicts (2 of 4 stars). 2 submissions from 2 submitters: Uncertain significance (2). Last evaluated 2024-02-24.

Conditions:
Mitochondrial hypertrophic cardiomyopathy with lactic acidosis due to MTO1 deficiency. Also called: CARDIOMYOPATHY, INFANTILE HYPERTROPHIC MITOCHONDRIAL, AND LACTIC ACIDOSIS; Combined oxidative phosphorylation deficiency 10. Identifiers: Orphanet 314637, MedGen C4749921, MONDO:0013865, OMIM 614702.

Allele frequency attached by ClinVar (database versions not stated): ExAC 0.00001; gnomAD exomes 0.00001.
gnomAD v4.1: 12 of 1,614,118 alleles (0.00074%); highest among the groups gnomAD compares: Admixed American, 0.0017%; no homozygotes.

Submissions (2):

Labcorp Genetics (formerly Invitae), Labcorp
Classification: Uncertain significance for Mitochondrial hypertrophic cardiomyopathy with lactic acidosis due to MTO1 deficiency. Last evaluated: 2024-02-24. Review status: criteria provided, single submitter. Criteria: Invitae Variant Classification Sherloc (09022015). Collection method: clinical testing. Allele origin: germline.
Comment: This sequence change replaces arginine, which is basic and polar, with histidine, which is basic and polar, at codon 434 of the MTO1 protein (p.Arg434His). This variant is present in population databases (rs775350046, gnomAD 0.003%). This variant has not been reported in the literature in individuals affected with MTO1-related conditions. ClinVar contains an entry for this variant (Variation ID: 1486879). Advanced modeling of protein sequence and biophysical properties (such as structural, functional, and spatial information, amino acid conservation, physicochemical variation, residue mobility, and thermodynamic stability) performed at Invitae indicates that this missense variant is not expected to disrupt MTO1 protein function with a negative predictive value of 95%. In summary, the available evidence is currently insufficient to determine the role of this variant in disease. Therefore, it has been classified as a Variant of Uncertain Significance.

GeneDx
Classification: Uncertain significance. Last evaluated: 2022-04-15. Review status: criteria provided, single submitter. Criteria: GeneDx Variant Classification Process June 2021. Collection method: clinical testing. Allele origin: germline. Affected: yes.
Comment: Not observed at significant frequency in large population cohorts (gnomAD); In silico analysis supports that this missense variant does not alter protein structure/function; Has not been previously published as pathogenic or benign to our knowledge